The following is an entry in ClinVar:

NM_006348.5(COG5):c.1570C>T (p.Gln524Ter)

Gene: COG5 (component of oligomeric golgi complex 5; minus strand). Cytogenetic location: 7q22.3.
Variant type: single nucleotide variant.
Coding change: c.1570C>T on transcript NM_006348.5 (MANE Select); coding-DNA position 1570, C replaced by T.
Protein change: p.Gln524Ter; replaces glutamine 524 with a stop codon.
Molecular consequence: nonsense.
Genome position (GRCh38, 1-based): chr7:107,281,305, G>A on the plus strand (C>T on the coding strand, the complement: COG5 is on the minus strand). VCF-style: chr7-107281305-G-A. GRCh37 (hg19) VCF-style: chr7-106921750-G-A.
Other names: c.1570C>T, p.Gln524Ter (NM_001161520.2, NM_001379512.1, NM_001379513.1 and 2 more transcripts); c.1408C>T, p.Gln470Ter (NM_001379511.1); c.1000C>T, p.Gln334Ter (NM_001379515.1); c.856C>T, p.Gln286Ter (NM_001379516.1); short protein forms Q334*, Q470*, Q524*, Q286*.
Identifiers: ClinVar variation 2104290 (VCV002104290.4), dbSNP rs186512876, ClinGen allele CA4430878.

ClinVar aggregate classification (germline): Pathogenic (1 of 4 stars; one submission).

Conditions:
COG5-congenital disorder of glycosylation. Also called: CDG IIi; CONGENITAL DISORDER OF GLYCOSYLATION, TYPE IIi; COG5-CDG. Identifiers: Orphanet 263487, MedGen C3150876, MONDO:0013325, OMIM 613612.

Allele frequency attached by ClinVar (database versions not stated): gnomAD exomes below 0.00001; ExAC 0.00001; gnomAD 0.00001; 1000 Genomes Project 0.00020; 1000 Genomes Project 30x 0.00031.
gnomAD v4.1: 2 of 1,606,846 alleles (0.00012%); highest among the groups gnomAD compares: Admixed American, 0.0017%; no homozygotes.

Submission:

Labcorp Genetics (formerly Invitae), Labcorp
Classification: Pathogenic for COG5-congenital disorder of glycosylation. Last evaluated: 2022-02-28. Review status: criteria provided, single submitter. Criteria: Invitae Variant Classification Sherloc (09022015). Collection method: clinical testing. Allele origin: germline.
Comment: For these reasons, this variant has been classified as Pathogenic. This variant has not been reported in the literature in individuals affected with COG5-related conditions. This variant is present in population databases (rs186512876, gnomAD 0.003%). This sequence change creates a premature translational stop signal (p.Gln555*) in the COG5 gene. It is expected to result in an absent or disrupted protein product. Loss-of-function variants in COG5 are known to be pathogenic (PMID: 23228021).

Literature cited by the submitters: PubMed 23228021.